The following is an entry in ClinVar:

NM_018417.6(ADCY10):c.2948G>A (p.Arg983Gln)

Gene: ADCY10 (adenylate cyclase 10; minus strand). Cytogenetic location: 1q24.2.
Variant type: single nucleotide variant.
Coding change: c.2948G>A on transcript NM_018417.6 (MANE Select); coding-DNA position 2948, G replaced by A.
Protein change: p.Arg983Gln; replaces arginine 983 with glutamine.
Molecular consequence: missense variant.
Genome position (GRCh38, 1-based): chr1:167,845,622, C>T on the plus strand (G>A on the coding strand, the complement: ADCY10 is on the minus strand). VCF-style: chr1-167845622-C-T. GRCh37 (hg19) VCF-style: chr1-167814860-C-T.
Other names: c.2489G>A, p.Arg830Gln (NM_001167749.3); c.2672G>A, p.Arg891Gln (NM_001297772.2); short protein forms R891Q, R983Q, R830Q.
Identifiers: ClinVar variation 2999117 (VCV002999117.4), dbSNP rs759850390, ClinGen allele CA1227516.

ClinVar aggregate classification (germline): Uncertain significance. Review status: criteria provided, multiple submitters, no conflicts (2 of 4 stars). 2 submissions from 2 submitters: Uncertain significance (2). Last evaluated 2023-11-03.

gnomAD v4.1: 29 of 1,614,064 alleles (0.0018%); highest among the groups gnomAD compares: African/African-American, 0.0027%; no homozygotes.

Submissions (2):

Ambry Genetics
Classification: Uncertain significance. Last evaluated: 2023-11-03. Review status: criteria provided, single submitter. Criteria: Ambry Variant Classification Scheme 2023. Collection method: clinical testing. Allele origin: germline.

Labcorp Genetics (formerly Invitae), Labcorp
Classification: Uncertain significance. Last evaluated: 2023-03-13. Review status: criteria provided, single submitter. Criteria: Invitae Variant Classification Sherloc (09022015). Collection method: clinical testing. Allele origin: germline.
Comment: In summary, the available evidence is currently insufficient to determine the role of this variant in disease. Therefore, it has been classified as a Variant of Uncertain Significance. This variant is present in population databases (rs759850390, gnomAD 0.002%). An algorithm developed to predict the effect of missense changes on protein structure and function (PolyPhen-2) suggests that this variant is likely to be disruptive. This variant has not been reported in the literature in individuals affected with ADCY10-related conditions. This sequence change replaces arginine, which is basic and polar, with glutamine, which is neutral and polar, at codon 983 of the ADCY10 protein (p.Arg983Gln).